The following is an entry in ClinVar:

ClinVar aggregate classification (germline): Uncertain significance (1 of 4 stars; one submission).

Submission:

Labcorp Genetics (formerly Invitae), Labcorp
Classification: Uncertain significance. Last evaluated: 2022-04-15. Review status: criteria provided, single submitter. Criteria: Invitae Variant Classification Sherloc (09022015). Collection method: clinical testing. Allele origin: germline.
Comment: In summary, the available evidence is currently insufficient to determine the role of this variant in disease. Therefore, it has been classified as a Variant of Uncertain Significance. This variant has not been reported in the literature in individuals affected with HPS6-related conditions. This variant is not present in population databases (gnomAD no frequency). This sequence change affects codon 396 of the HPS6 mRNA. It is a 'silent' change, meaning that it does not change the encoded amino acid sequence of the HPS6 protein.

NM_024747.6(HPS6):c.1188G>A (p.Leu396=)

Gene: HPS6 (HPS6 biogenesis of lysosomal organelles complex 2 subunit 3; plus strand). Cytogenetic location: 10q24.32.
Variant type: single nucleotide variant.
Coding change: c.1188G>A on transcript NM_024747.6 (MANE Select); coding-DNA position 1188, G replaced by A.
Protein change: p.Leu396=; no amino-acid change (leucine 396 retained).
Molecular consequence: synonymous variant.
Genome position (GRCh38, 1-based): chr10:102,066,662, G>A. VCF-style: chr10-102066662-G-A. GRCh37 (hg19) VCF-style: chr10-103826419-G-A.
Identifiers: ClinVar variation 2126346 (VCV002126346.4), dbSNP rs2136334566, ClinGen allele CA471011214.